The following is an entry in ClinVar:

NM_003742.4(ABCB11):c.1331T>A (p.Val444Asp)

Gene: ABCB11 (ATP binding cassette subfamily B member 11; minus strand). Cytogenetic location: 2q31.1.
Variant type: single nucleotide variant.
Coding change: c.1331T>A on transcript NM_003742.4 (MANE Select); coding-DNA position 1331, T replaced by A.
Protein change: p.Val444Asp; replaces valine 444 with aspartic acid.
Molecular consequence: missense variant.
Genome position (GRCh38, 1-based): chr2:168,973,818, A>T on the plus strand (T>A on the coding strand, the complement: ABCB11 is on the minus strand). VCF-style: chr2-168973818-A-T. GRCh37 (hg19) VCF-style: chr2-169830328-A-T.
Other names: short protein forms V444D.
Identifiers: ClinVar variation 4846203 (VCV004846203.1).

ClinVar aggregate classification (germline): Uncertain significance (1 of 4 stars; one submission).

Conditions:
Familial intrahepatic cholestasis. Identifiers: Orphanet 284385, MedGen CN296401, MONDO:0017290.

Submission:

Genomenon, Inc
Classification: Uncertain significance for Familial intrahepatic cholestasis. Last evaluated: 2026-04-14. Review status: criteria provided, single submitter. Criteria: Genomenon Sequence Variant Interpretation Standards - Updated. Collection method: curation. Allele origin: germline. Affected: no.
Comment: ABCB11 p.Val444Asp (c.1331T>A) is a missense variant that changes the amino acid at residue 444 from Valine to Aspartic acid. This variant has been reported in the published literature (PMID:22795478). It is absent or not present at a significant frequency in gnomAD. In conclusion, we classify ABCB11 p.Val444Asp (c.1331T>A) as a variant of uncertain significance.

Literature cited by the submitters: PubMed 22795478.